The following is an entry in ClinVar:

ClinVar aggregate classification (germline): Uncertain significance. Review status: criteria provided, multiple submitters, no conflicts (2 of 4 stars). 2 submissions from 2 submitters: Uncertain significance (2). Last evaluated 2024-03-18.

Allele frequency attached by ClinVar (database versions not stated): TOPMed 0.00001; gnomAD 0.00002; gnomAD exomes 0.00003; ExAC 0.00007; ESP Exome Variant Server 0.00008.
gnomAD v4.1: 46 of 1,613,558 alleles (0.0029%); highest among the groups gnomAD compares: African/African-American, 0.008%; no homozygotes.

Submissions (2):

Blueprint Genetics
Classification: Uncertain significance. Last evaluated: 2024-03-18. Review status: criteria provided, single submitter. Criteria: ACMG Guidelines, 2015. Collection method: clinical testing. Allele origin: germline.

Labcorp Genetics (formerly Invitae), Labcorp
Classification: Uncertain significance. Last evaluated: 2022-12-10. Review status: criteria provided, single submitter. Criteria: Invitae Variant Classification Sherloc (09022015). Collection method: clinical testing. Allele origin: germline.
Comment: The frequency data for this variant in the population databases is considered unreliable, as metrics indicate poor data quality at this position in the gnomAD database. This sequence change replaces alanine, which is neutral and non-polar, with valine, which is neutral and non-polar, at codon 188 of the PDE6B protein (p.Ala188Val). This variant has not been reported in the literature in individuals affected with PDE6B-related conditions. In summary, the available evidence is currently insufficient to determine the role of this variant in disease. Therefore, it has been classified as a Variant of Uncertain Significance. Advanced modeling of protein sequence and biophysical properties (such as structural, functional, and spatial information, amino acid conservation, physicochemical variation, residue mobility, and thermodynamic stability) has been performed at Invitae for this missense variant, however the output from this modeling did not meet the statistical confidence thresholds required to predict the impact of this variant on PDE6B protein function.

NM_000283.4(PDE6B):c.563C>T (p.Ala188Val)

Gene: PDE6B (phosphodiesterase 6B; plus strand). Cytogenetic location: 4p16.3.
Variant type: single nucleotide variant.
Coding change: c.563C>T on transcript NM_000283.4 (MANE Select); coding-DNA position 563, C replaced by T.
Protein change: p.Ala188Val; replaces alanine 188 with valine.
Molecular consequence: missense variant.
Genome position (GRCh38, 1-based): chr4:634,771, C>T. VCF-style: chr4-634771-C-T. GRCh37 (hg19) VCF-style: chr4-628560-C-T.
Other names: c.563C>T, p.Ala188Val (NM_001145291.2); short protein forms A188V.
Identifiers: ClinVar variation 2416152 (VCV002416152.7), dbSNP rs375253226, ClinGen allele CA2793999.